The following is an entry in ClinVar:

ClinVar aggregate classification (germline): Uncertain significance (1 of 4 stars; one submission).

Submission:

Labcorp Genetics (formerly Invitae), Labcorp
Classification: Uncertain significance. Last evaluated: 2025-01-19. Review status: criteria provided, single submitter. Criteria: Invitae Variant Classification Sherloc (09022015). Collection method: clinical testing. Allele origin: germline.
Comment: This sequence change replaces threonine, which is neutral and polar, with isoleucine, which is neutral and non-polar, at codon 137 of the MRAS protein (p.Thr137Ile). This variant is not present in population databases (gnomAD no frequency). This variant has not been reported in the literature in individuals affected with MRAS-related conditions. ClinVar contains an entry for this variant (Variation ID: 1996126). An algorithm developed to predict the effect of missense changes on protein structure and function (PolyPhen-2) suggests that this variant is likely to be tolerated. In summary, the available evidence is currently insufficient to determine the role of this variant in disease. Therefore, it has been classified as a Variant of Uncertain Significance.

NM_001085049.3(MRAS):c.410C>T (p.Thr137Ile)

Gene: MRAS (muscle RAS oncogene homolog; plus strand). Cytogenetic location: 3q22.3.
Variant type: single nucleotide variant.
Coding change: c.410C>T on transcript NM_001085049.3 (MANE Select); coding-DNA position 410, C replaced by T.
Protein change: p.Thr137Ile; replaces threonine 137 with isoleucine.
Molecular consequence: missense variant.
Genome position (GRCh38, 1-based): chr3:138,398,531, C>T. VCF-style: chr3-138398531-C-T. GRCh37 (hg19) VCF-style: chr3-138117373-C-T.
Other names: c.410C>T, p.Thr137Ile (NM_001252090.2, NM_012219.4); c.182C>T, p.Thr61Ile (NM_001252091.1, NM_001252092.2, NM_001252093.2); short protein forms T61I, T137I.
Identifiers: ClinVar variation 1996126 (VCV001996126.4), dbSNP rs1228732016, ClinGen allele CA354674712.